The following is an entry in ClinVar:

NM_001384732.1(CPLANE1):c.378G>A (p.Gly126=)

Gene: CPLANE1 (ciliogenesis and planar polarity effector complex subunit 1; minus strand). Cytogenetic location: 5p13.2.
Variant type: single nucleotide variant.
Coding change: c.378G>A on transcript NM_001384732.1 (MANE Select); coding-DNA position 378, G replaced by A.
Protein change: p.Gly126=; no amino-acid change (glycine 126 retained).
Molecular consequence: synonymous variant.
Genome position (GRCh38, 1-based): chr5:37,244,567, C>T on the plus strand (G>A on the coding strand, the complement: CPLANE1 is on the minus strand). VCF-style: chr5-37244567-C-T. GRCh37 (hg19) VCF-style: chr5-37244669-C-T.
Other names: c.378G>A, p.Gly126= (NM_023073.4).
Identifiers: ClinVar variation 158032 (VCV000158032.20), dbSNP rs73750958, ClinGen allele CA171430.

ClinVar aggregate classification (germline): Benign. Review status: criteria provided, multiple submitters, no conflicts (2 of 4 stars). 6 submissions from 6 submitters: Benign (5). 1 of the submissions does not count toward it. Last evaluated 2026-02-02.

Conditions:
Joubert syndrome 17 (JBTS17). Identifiers: Orphanet 475, MedGen C3553264, MONDO:0013824, OMIM 614615.

Allele frequency attached by ClinVar (database versions not stated): gnomAD exomes 0.00266 and 0.00624; ExAC 0.01103; gnomAD 0.02860 and 0.03087; 1000 Genomes Project 0.03055; ESP Exome Variant Server 0.03176; 1000 Genomes Project 30x 0.03326; TOPMed 0.03342.
gnomAD v4.1: 8,241 of 1,551,234 alleles (0.53%); highest among the groups gnomAD compares: African/African-American, 10%; 402 homozygotes.

Submissions (6):

Labcorp Genetics (formerly Invitae), Labcorp
Classification: Benign. Last evaluated: 2026-02-02. Review status: criteria provided, single submitter. Criteria: Invitae Variant Classification Sherloc (09022015). Collection method: clinical testing. Allele origin: germline.

Illumina Laboratory Services, Illumina
Classification: Benign for Joubert syndrome 17. Last evaluated: 2018-01-13. Review status: criteria provided, single submitter. Criteria: ICSL Variant Classification Criteria 13 December 2019. Collection method: clinical testing. Allele origin: germline.
Comment: This variant was observed in the ICSL laboratory as part of a predisposition screen in an ostensibly healthy population. It had not been previously curated by ICSL or reported in the Human Gene Mutation Database (HGMD: prior to June 1st, 2018), and was therefore a candidate for classification through an automated scoring system. Utilizing variant allele frequency, disease prevalence and penetrance estimates, and inheritance mode, an automated score was calculated to assess if this variant is too frequent to cause the disease. Based on the score and internal cut-off values, a variant classified as benign is not then subjected to further curation. The score for this variant resulted in a classification of benign for this disease.

GeneDx
Classification: Benign. Last evaluated: 2016-10-19. Review status: criteria provided, single submitter. Criteria: GeneDx Variant Classification (06012015). Collection method: clinical testing. Allele origin: germline. Affected: yes.
Comment: This variant is considered likely benign or benign based on one or more of the following criteria: it is a conservative change, it occurs at a poorly conserved position in the protein, it is predicted to be benign by multiple in silico algorithms, and/or has population frequency not consistent with disease.

Breakthrough Genomics
Classification: Benign. Review status: criteria provided, single submitter. Criteria: ACMG Guidelines, 2015. Collection method: not provided. Allele origin: germline. Inheritance: Autosomal recessive inheritance. Affected: yes.

PreventionGenetics, part of Exact Sciences
Classification: Benign. Review status: criteria provided, single submitter. Criteria: ACMG Guidelines, 2015. Collection method: clinical testing. Allele origin: germline.

Genetic Services Laboratory, University of Chicago
Classification: Likely benign. Review status: no assertion criteria provided. Collection method: clinical testing. Allele origin: germline. Inheritance: Autosomal recessive inheritance. Not counted in ClinVar's aggregate classification.
Comment: Likely benign based on allele frequency in 1000 Genomes Project or ESP global frequency and its presence in a patient with a rare or unrelated disease phenotype. NOT Sanger confirmed